The following is an entry in ClinVar:

ClinVar aggregate classification (germline): Uncertain significance. Review status: criteria provided, multiple submitters, no conflicts (2 of 4 stars). 4 submissions from 4 submitters: Uncertain significance (3). 1 of the submissions does not count toward it. Last evaluated 2025-11-23.

Conditions:
Inborn genetic diseases. Identifiers: MedGen C0950123, MeSH D030342.
GRN-related frontotemporal lobar degeneration with Tdp43 inclusions (FTD2). Also called: DEMENTIA, HEREDITARY DYSPHASIC DISINHIBITION; FRONTOTEMPORAL LOBAR DEGENERATION WITH UBIQUITIN-POSITIVE INCLUSIONS; FTLD-TDP, GRN-RELATED; FRONTOTEMPORAL DEMENTIA WITH TDP43 INCLUSIONS, GRN-RELATED; GRN Frontotemporal Dementia. Identifiers: Orphanet 100070, Orphanet 282, MedGen C1843792, MONDO:0011842, OMIM 607485. Disease mechanism: loss of function.
Neuronal ceroid lipofuscinosis 11. Also called: GRN-Related Neuronal Ceroid-Lipofuscinosis. Identifiers: Orphanet 314629, Orphanet 79262, MedGen C3539123, MONDO:0013866, OMIM 614706.
GRN-related disorder. Also called: GRN-related disorders; GRN-related condition.

Allele frequency attached by ClinVar (database versions not stated): ExAC 0.00002; gnomAD 0.00005 and 0.00006; TOPMed 0.00005; ESP Exome Variant Server 0.00008.
gnomAD v4.1: 104 of 1,613,618 alleles (0.0064%); highest among the groups gnomAD compares: Non-Finnish European, 0.0086%; no homozygotes.

Submissions (4):

Labcorp Genetics (formerly Invitae), Labcorp
Classification: Uncertain significance for Neuronal ceroid lipofuscinosis 11; GRN-related frontotemporal lobar degeneration with Tdp43 inclusions. Last evaluated: 2025-11-23. Review status: criteria provided, single submitter. Criteria: Invitae Variant Classification Sherloc (09022015). Collection method: clinical testing. Allele origin: germline.
Comment: This sequence change replaces glycine, which is neutral and non-polar, with arginine, which is basic and polar, at codon 148 of the GRN protein (p.Gly148Arg). This variant is present in population databases (rs375343686, gnomAD 0.008%). This variant has not been reported in the literature in individuals affected with GRN-related conditions. ClinVar contains an entry for this variant (Variation ID: 645598). Invitae Evidence Modeling of protein sequence and biophysical properties (such as structural, functional, and spatial information, amino acid conservation, physicochemical variation, residue mobility, and thermodynamic stability) indicates that this missense variant is expected to disrupt GRN protein function with a positive predictive value of 80%. In summary, the available evidence is currently insufficient to determine the role of this variant in disease. Therefore, it has been classified as a Variant of Uncertain Significance.

GeneDx
Classification: Uncertain significance. Last evaluated: 2023-01-27. Review status: criteria provided, single submitter. Criteria: GeneDx Variant Classification Process June 2021. Collection method: clinical testing. Allele origin: germline. Affected: yes.
Comment: In silico analysis supports that this missense variant has a deleterious effect on protein structure/function; Has not been previously published as pathogenic or benign to our knowledge; This variant is associated with the following publications: (PMID: Koriath2022[CaseReport])

Ambry Genetics
Classification: Uncertain significance for Inborn genetic diseases. Last evaluated: 2017-06-12. Review status: criteria provided, single submitter. Criteria: Ambry Variant Classification Scheme 2023. Collection method: clinical testing. Allele origin: germline.
Comment: The p.G148R variant (also known as c.442G>A), located in coding exon 4 of the GRN gene, results from a G to A substitution at nucleotide position 442. The glycine at codon 148 is replaced by arginine, an amino acid with dissimilar properties. This amino acid position is highly conserved in available vertebrate species. In addition, the in silico prediction for this alteration is inconclusive. Since supporting evidence is limited at this time, the clinical significance of this alteration remains unclear.

PreventionGenetics, part of Exact Sciences
Classification: Uncertain significance for GRN-related condition. Last evaluated: 2024-03-13. Review status: no assertion criteria provided. Collection method: clinical testing. Allele origin: germline. Not counted in ClinVar's aggregate classification.
Comment: The GRN c.442G>A variant is predicted to result in the amino acid substitution p.Gly148Arg. To our knowledge, this variant has not been reported in the literature. This variant is reported in 0.0080% of alleles in individuals of African descent in gnomAD. At this time, the clinical significance of this variant is uncertain due to the absence of conclusive functional and genetic evidence.

NM_002087.4(GRN):c.442G>A (p.Gly148Arg)

Gene: GRN (granulin precursor; plus strand). Cytogenetic location: 17q21.31.
Variant type: single nucleotide variant.
Coding change: c.442G>A on transcript NM_002087.4 (MANE Select); coding-DNA position 442, G replaced by A.
Protein change: p.Gly148Arg; replaces glycine 148 with arginine.
Molecular consequence: missense variant.
Genome position (GRCh38, 1-based): chr17:44,350,320, G>A. VCF-style: chr17-44350320-G-A. GRCh37 (hg19) VCF-style: chr17-42427688-G-A.
Other names: short protein forms G148R.
Identifiers: ClinVar variation 645598 (VCV000645598.12), dbSNP rs375343686, ClinGen allele CA8601883.
Genomic context (GRCh38, chr17:44,350,320, plus strand): 5'-GATAGTCAGTTCGAATGCCCGGACTTCTCCACGTGCTGTGTTATGGTCGATGGCTCCTGG[G>A]GGTGCTGCCCCATGCCCCAGGTACAAATCTGGGGGAGATGGGGGTATGTGGAGGGAAGTG-3'
Protein context (NP_002078.1, residues 138-158): TCCVMVDGSW[Gly148Arg]CCPMPQASCC